The following is an entry in ClinVar:

ClinVar aggregate classification (germline): Benign/Likely benign. Review status: criteria provided, multiple submitters, no conflicts (2 of 4 stars). 5 submissions from 5 submitters: Benign (2); Likely benign (2). 1 of the submissions does not count toward it. Last evaluated 2026-01-21.

Conditions:
WBP2-related disorder. Also called: WBP2-related condition.

Allele frequency attached by ClinVar (database versions not stated): gnomAD exomes 0.00030 and 0.00076; ExAC 0.00085; gnomAD 0.00229 and 0.00240; TOPMed 0.00250; 1000 Genomes Project 0.00300; 1000 Genomes Project 30x 0.00312; ESP Exome Variant Server 0.00317.
gnomAD v4.1: 817 of 1,612,952 alleles (0.051%); highest among the groups gnomAD compares: African/African-American, 0.78%; no homozygotes.

Submissions (5):

Labcorp Genetics (formerly Invitae), Labcorp
Classification: Benign. Last evaluated: 2026-01-21. Review status: criteria provided, single submitter. Criteria: Invitae Variant Classification Sherloc (09022015). Collection method: clinical testing. Allele origin: germline.

Blueprint Genetics
Classification: Likely benign. Last evaluated: 2024-09-10. Review status: criteria provided, single submitter. Criteria: ACMG Guidelines, 2015. Collection method: clinical testing. Allele origin: germline.

CeGaT Center for Human Genetics Tuebingen
Classification: Likely benign. Last evaluated: 2022-07-01. Review status: criteria provided, single submitter. Criteria: CeGaT Center For Human Genetics Tuebingen Variant Classification Criteria Version 2. Collection method: clinical testing. Allele origin: germline. Affected: yes. Observed: 1 variant allele.
Comment: WBP2: BP4

Breakthrough Genomics
Classification: Benign. Review status: criteria provided, single submitter. Criteria: ACMG Guidelines, 2015. Collection method: not provided. Allele origin: germline. Inheritance: Autosomal recessive inheritance. Affected: yes.

PreventionGenetics, part of Exact Sciences
Classification: Benign for WBP2-related condition. Last evaluated: 2019-08-07. Review status: no assertion criteria provided. Collection method: clinical testing. Allele origin: germline. Not counted in ClinVar's aggregate classification.
Comment: This variant is classified as benign based on ACMG/AMP sequence variant interpretation guidelines (Richards et al. 2015 PMID: 25741868, with internal and published modifications).

NM_012478.4(WBP2):c.533-7C>T

Gene: WBP2 (WW domain binding protein 2; minus strand). Cytogenetic location: 17q25.1.
Variant type: single nucleotide variant.
Coding change: c.533-7C>T on transcript NM_012478.4 (MANE Select); 7 bases into the intron before coding-DNA position 533, C replaced by T.
Molecular consequence: intron variant.
Genome position (GRCh38, 1-based): chr17:75,847,616, G>A on the plus strand (C>T on the coding strand, the complement: WBP2 is on the minus strand). VCF-style: chr17-75847616-G-A. GRCh37 (hg19) VCF-style: chr17-73843697-G-A.
Other names: c.533-7C>T (NM_012478.3, NM_001348170.1); c.398-7C>T (NM_001330499.2).
Identifiers: ClinVar variation 1599848 (VCV001599848.41), dbSNP rs143823210, ClinGen allele CA8773863.
Genomic context (GRCh38, chr17:75,847,616, plus strand): 5'-GGGGCTGCACGTATCCCATGGCCCCGTCCATCATGGGGGGTCCTGGATAGAACTCTGCTC[G>A]GTGAGAGAGTAACAAGGACATGGTGAGCACCCGGCTGCGGCCCCCTCCCGGGTGAGGGGG-3'